The following is an entry in ClinVar:

NM_015046.7(SETX):c.7630A>T (p.Arg2544Trp)

Gene: SETX (senataxin; minus strand). Cytogenetic location: 9q34.13.
Variant type: single nucleotide variant.
Coding change: c.7630A>T on transcript NM_015046.7 (MANE Select); coding-DNA position 7630, A replaced by T.
Protein change: p.Arg2544Trp; replaces arginine 2544 with tryptophan.
Molecular consequence: missense variant.
Genome position (GRCh38, 1-based): chr9:132,264,643, T>A on the plus strand (A>T on the coding strand, the complement: SETX is on the minus strand). VCF-style: chr9-132264643-T-A. GRCh37 (hg19) VCF-style: chr9-135140030-T-A.
Other names: c.7630A>T, p.Arg2544Trp (NM_001351527.2); c.7717A>T, p.Arg2573Trp (NM_001351528.2); short protein forms R2544W, R2573W.
Identifiers: ClinVar variation 1708333 (VCV001708333.2), dbSNP rs2538820834, ClinGen allele CA375324145.

ClinVar aggregate classification (germline): Uncertain significance (1 of 4 stars; one submission).

Submission:

Centre of Medical Genetics, University Hospital Muenster
Classification: Uncertain significance. Last evaluated: 2021-12-16. Review status: criteria provided, single submitter. Criteria: ACMG Guidelines, 2015. Collection method: clinical testing. Allele origin: unknown. Affected: yes. Observed: 1 variant allele, 1 heterozygote.
Comment: ACMG categories: PM1,PM2,PP3